The following is an entry in ClinVar:

ClinVar aggregate classification (germline): Benign/Likely benign. Review status: criteria provided, multiple submitters, no conflicts (2 of 4 stars). 19 submissions from 19 submitters: Benign (9); Likely benign (8). 2 of the submissions do not count toward it. Last evaluated 2026-10-01.

Conditions:
Cardiovascular phenotype. Identifiers: MedGen CN230736.
Familial hypobetalipoproteinemia 1. Also called: Hypobetalipoproteinemia, normotriglyceridemic; Acanthocytosis with hypobetalipoproteinemia; APOB-Related Familial Hypobetalipoproteinemia. Identifiers: MedGen C4551990, MONDO:0014252, OMIM 615558.
Hypercholesterolemia, autosomal dominant, type B (FHCL2). Also called: Familial hypercholesterolemia 2; HYPERCHOLESTEROLEMIA, FAMILIAL, DUE TO LIGAND-DEFECTIVE APOLIPOPROTEIN B; APOB-Related Familial Hypercholesterolemia, Autosomal Dominant; Familial Hypercholesterolemia Type B; APOLIPOPROTEIN B-100, FAMILIAL DEFECTIVE; APOLIPOPROTEIN B-100, FAMILIAL LIGAND-DEFECTIVE. Identifiers: MedGen C1704417, MONDO:0007751, OMIM 144010.
Familial hypercholesterolemia. Also called: Familial hypercholesterolaemia; Familial hypercholesterolemias. Identifiers: MedGen C0020445, MONDO:0005439.
Hypercholesterolemia, familial, 1. Also called: LDL RECEPTOR DISORDER; Hyperlipoproteinemia Type IIa; HYPER-LOW-DENSITY-LIPOPROTEINEMIA; HYPERCHOLESTEROLEMIC XANTHOMATOSIS, FAMILIAL; Fredrickson type IIa hyperlipoproteinemia; Hyperlipoproteinemia type 2. Identifiers: Orphanet 391665, MedGen C0745103, MONDO:0007750, OMIM 143890.

Allele frequency attached by ClinVar (database versions not stated): 1000 Genomes Project 30x 0.00234; 1000 Genomes Project 0.00280; TOPMed 0.00624; gnomAD 0.00669; ExAC 0.00759; ESP Exome Variant Server 0.00869; gnomAD exomes 0.00952.
gnomAD v4.1: 14,874 of 1,614,016 alleles (0.92%); highest among the groups gnomAD compares: Non-Finnish European, 1.1%; 93 homozygotes.

Submissions (19):

CeGaT Center for Human Genetics Tuebingen
Classification: Benign. Last evaluated: 2026-10-01. Review status: criteria provided, single submitter. Criteria: CeGaT Center For Human Genetics Tuebingen Variant Classification Criteria Version 2. Collection method: clinical testing. Allele origin: germline. Affected: yes. Observed: 38 variant alleles.
Comment: APOB: BP4, BS1, BS2

Labcorp Genetics (formerly Invitae), Labcorp
Classification: Benign for Familial hypobetalipoproteinemia 1; Hypercholesterolemia, autosomal dominant, type B. Last evaluated: 2026-02-04. Review status: criteria provided, single submitter. Criteria: Invitae Variant Classification Sherloc (09022015). Collection method: clinical testing. Allele origin: germline.

GENinCode PLC
Classification: Benign for Familial hypercholesterolemia. Last evaluated: 2026-01-16. Review status: criteria provided, single submitter. Criteria: ACMG Guidelines, 2015. Collection method: clinical testing. Allele origin: germline.
Comment: The APOB c.10294C>G p.(Gln3432Glu) missense variant has a GrpMax filtering allele frequency of 0.01093 in the European (non-Finnish) genetic ancestry group (gnomAD v4.1.1), which is higher than our in-house threshold (0.005 for BA1), and therefore meets this criterion and is classified as Benign.

ARUP Laboratories, Molecular Genetics and Genomics, ARUP Laboratories
Classification: Benign. Last evaluated: 2025-07-21. Review status: criteria provided, single submitter. Criteria: ARUP Molecular Germline Variant Investigation Process 2024. Collection method: clinical testing. Allele origin: germline.

Molecular Diagnostic Laboratory for Inherited Cardiovascular Disease, Montreal Heart Institute
Classification: Likely benign. Last evaluated: 2025-04-09. Review status: criteria provided, single submitter. Criteria: ACMG Guidelines, 2015. Collection method: clinical testing. Allele origin: germline. Affected: no.

Blueprint Genetics
Classification: Likely benign. Last evaluated: 2024-11-26. Review status: criteria provided, single submitter. Criteria: ACMG Guidelines, 2015. Collection method: clinical testing. Allele origin: germline.

Mayo Clinic Laboratories, Mayo Clinic
Classification: Benign. Last evaluated: 2023-11-16. Review status: criteria provided, single submitter. Criteria: ACMG Guidelines, 2015. Collection method: clinical testing. Allele origin: germline. Observed: 19 variant alleles.
Comment: BS1, BS2

Quest Diagnostics Nichols Institute San Juan Capistrano
Classification: Benign. Last evaluated: 2023-06-05. Review status: criteria provided, single submitter. Criteria: Quest Diagnostics criteria. Collection method: clinical testing. Allele origin: unknown.

Illumina Laboratory Services, Illumina
Classification: Likely benign for Hypercholesterolemia, autosomal dominant, type B. Last evaluated: 2018-01-29. Review status: criteria provided, single submitter. Criteria: ICSL Variant Classification Criteria 13 December 2019. Collection method: clinical testing. Allele origin: germline.
Comment: This variant was observed as part of a predisposition screen in an ostensibly healthy population. A literature search was performed for the gene, cDNA change, and amino acid change (where applicable). No publications were found based on this search. Allele frequency data from public databases allowed determination this variant is unlikely to cause disease. Therefore, this variant is classified as likely benign.

Robarts Research Institute, Western University
Classification: Benign for Hypercholesterolemia, familial, 1. Last evaluated: 2018-01-02. Review status: criteria provided, single submitter. Criteria: ACMG Guidelines, 2015. Collection method: clinical testing. Allele origin: germline. Inheritance: Autosomal dominant inheritance. Affected: yes.

Center for Pediatric Genomic Medicine, Children's Mercy Hospital and Clinics
Classification: Likely benign. Last evaluated: 2017-08-22. Review status: criteria provided, single submitter. Criteria: ACMG Guidelines, 2015. Collection method: clinical testing. Allele origin: germline.

Color Diagnostics, LLC DBA Color Health
Classification: Likely benign for Familial hypercholesterolemia. Last evaluated: 2017-06-27. Review status: criteria provided, single submitter. Criteria: ACMG Guidelines, 2015. Collection method: clinical testing. Allele origin: germline.

GeneDx
Classification: Benign. Last evaluated: 2016-11-25. Review status: criteria provided, single submitter. Criteria: GeneDx Variant Classification (06012015). Collection method: clinical testing. Allele origin: germline. Affected: yes.
Comment: This variant is considered likely benign or benign based on one or more of the following criteria: it is a conservative change, it occurs at a poorly conserved position in the protein, it is predicted to be benign by multiple in silico algorithms, and/or has population frequency not consistent with disease.

Fundacion Hipercolesterolemia Familiar
Classification: Likely benign for Familial hypercholesterolemia. Last evaluated: 2016-03-01. Review status: criteria provided, single submitter. Criteria: ACMG Guidelines, 2015. Collection method: research. Allele origin: germline. Study: SAFEHEART.

Laboratory of Genetics and Molecular Cardiology, University of São Paulo
Classification: Likely benign for Familial hypercholesterolemia. Last evaluated: 2016-03-01. Review status: criteria provided, single submitter. Criteria: ACMG Guidelines, 2015. Collection method: research. Allele origin: germline. Study: HipercolBrasil.

Ambry Genetics
Classification: Benign for Cardiovascular phenotype. Last evaluated: 2016-01-04. Review status: criteria provided, single submitter. Criteria: Ambry Variant Classification Scheme 2023. Collection method: clinical testing. Allele origin: germline.

Breakthrough Genomics
Classification: Likely benign. Review status: criteria provided, single submitter. Criteria: ACMG Guidelines, 2015. Collection method: not provided. Allele origin: germline. Inheritance: Autosomal recessive inheritance. Affected: yes.

Clinical Genetics, Academic Medical Center
Classification: Benign. Review status: no assertion criteria provided. Collection method: clinical testing. Allele origin: germline. Affected: yes. Study: VKGL Data-share Consensus. Not counted in ClinVar's aggregate classification.

Diagnostic Laboratory, Department of Genetics, University Medical Center Groningen
Classification: Likely benign. Review status: no assertion criteria provided. Collection method: clinical testing. Allele origin: germline. Affected: yes. Study: VKGL Data-share Consensus. Not counted in ClinVar's aggregate classification.

Literature cited by the submitters: PubMed 27497240 (cited by Quest Diagnostics Nichols Institute San Juan Capistrano); PubMed 26802169 (cited by Quest Diagnostics Nichols Institute San Juan Capistrano); PubMed 9568749 (cited by Fundacion Hipercolesterolemia Familiar and Laboratory of Genetics and Molecular Cardiology, University of São Paulo).

NM_000384.3(APOB):c.10294C>G (p.Gln3432Glu)

Gene: APOB (apolipoprotein B; minus strand). Cytogenetic location: 2p24.1.
Variant type: single nucleotide variant.
Coding change: c.10294C>G on transcript NM_000384.3 (MANE Select); coding-DNA position 10294, C replaced by G.
Protein change: p.Gln3432Glu; replaces glutamine 3432 with glutamic acid.
Molecular consequence: missense variant.
Genome position (GRCh38, 1-based): chr2:21,006,574, G>C on the plus strand (C>G on the coding strand, the complement: APOB is on the minus strand). VCF-style: chr2-21006574-G-C. GRCh37 (hg19) VCF-style: chr2-21229446-G-C.
Other names: p.Gln3432Glu; short protein forms Q3432E.
Identifiers: ClinVar variation 180279 (VCV000180279.70), dbSNP rs1042023, ClinGen allele CA022744.